The following is an entry in ClinVar:

ClinVar aggregate classification (germline): Uncertain significance (1 of 4 stars; one submission).

Conditions:
TNFRSF1A-related disorder. Also called: TNFRSF1A-related condition.

Allele frequency attached by ClinVar (database versions not stated): gnomAD exomes below 0.00001.
gnomAD v4.1: 1 of 1,613,540 alleles (0.000062%); highest among the groups gnomAD compares: Non-Finnish European, 0.000085%; no homozygotes.

Submission:

PreventionGenetics, part of Exact Sciences
Classification: Uncertain significance for TNFRSF1A-related condition. Last evaluated: 2023-07-14. Review status: criteria provided, single submitter. Criteria: ACMG Guidelines, 2015. Collection method: clinical testing. Allele origin: germline.
Comment: The TNFRSF1A c.358G>A variant is predicted to result in the amino acid substitution p.Asp120Asn. To our knowledge, this variant has not been reported in the literature or in a large population database, indicating this variant is rare. At this time, the clinical significance of this variant is uncertain due to the absence of conclusive functional and genetic evidence.

NM_001065.4(TNFRSF1A):c.358G>A (p.Asp120Asn)

Gene: TNFRSF1A (TNF receptor superfamily member 1A; minus strand). Cytogenetic location: 12p13.31.
Variant type: single nucleotide variant.
Coding change: c.358G>A on transcript NM_001065.4 (MANE Select); coding-DNA position 358, G replaced by A.
Protein change: p.Asp120Asn; replaces aspartic acid 120 with asparagine.
Molecular consequence: missense variant. On other transcripts: 5 prime UTR variant (1), non-coding transcript variant (1).
Genome position (GRCh38, 1-based): chr12:6,333,481, C>T on the plus strand (G>A on the coding strand, the complement: TNFRSF1A is on the minus strand). VCF-style: chr12-6333481-C-T. GRCh37 (hg19) VCF-style: chr12-6442647-C-T.
Other names: c.34G>A, p.Asp12Asn (NM_001346091.2); c.-220G>A (NM_001346092.2); short protein forms D120N, D12N.
Identifiers: ClinVar variation 2632181 (VCV002632181.1), dbSNP rs2497799326, ClinGen allele CA383550231.
Genomic context (GRCh38, chr12:6,333,481, plus strand): 5'-GGTTTTCACTCCAATAATGCCGGTACTGGTTCTTCCTGCAGCCACACACGGTGTCCCGGT[C>T]CACTGTGCAAGAAGAGATCTCCACCTGACCCATTTCTGGTGAGGGGAGAAGATGGGGTAT-3'
Protein context (NP_001056.1, residues 110-130): GQVEISSCTV[Asp120Asn]RDTVCGCRKN